The following is an entry in ClinVar:

ClinVar aggregate classification (germline): Uncertain significance (1 of 4 stars; one submission).

Conditions:
Familial cancer of breast. Also called: hereditary breast carcinoma; Hereditary breast cancer; BREAST CANCER, FAMILIAL. Identifiers: Orphanet 227535, MedGen C0346153, MONDO:0016419, OMIM 114480. Disease mechanism: loss of function.

Submission:

Labcorp Genetics (formerly Invitae), Labcorp
Classification: Uncertain significance for Familial cancer of breast. Last evaluated: 2020-12-15. Review status: criteria provided, single submitter. Criteria: Invitae Variant Classification Sherloc (09022015). Collection method: clinical testing. Allele origin: germline.
Comment: This sequence change replaces asparagine with aspartic acid at codon 113 of the BARD1 protein (p.Asn113Asp). The asparagine residue is highly conserved and there is a small physicochemical difference between asparagine and aspartic acid. In summary, the available evidence is currently insufficient to determine the role of this variant in disease. Therefore, it has been classified as a Variant of Uncertain Significance. Algorithms developed to predict the effect of missense changes on protein structure and function (SIFT, PolyPhen-2, Align-GVGD) all suggest that this variant is likely to be tolerated, but these predictions have not been confirmed by published functional studies and their clinical significance is uncertain. This variant has not been reported in the literature in individuals with BARD1-related conditions. This variant is not present in population databases (ExAC no frequency).

NM_000465.4(BARD1):c.337A>G (p.Asn113Asp)

Gene: BARD1 (BRCA1 associated RING domain 1; minus strand). Cytogenetic location: 2q35.
Variant type: single nucleotide variant.
Coding change: c.337A>G on transcript NM_000465.4 (MANE Select); coding-DNA position 337, A replaced by G.
Protein change: p.Asn113Asp; replaces asparagine 113 with aspartic acid.
Molecular consequence: missense variant. On other transcripts: non-coding transcript variant (1), intron variant (2).
Genome position (GRCh38, 1-based): chr2:214,792,324, T>C on the plus strand (A>G on the coding strand, the complement: BARD1 is on the minus strand). VCF-style: chr2-214792324-T-C. GRCh37 (hg19) VCF-style: chr2-215657048-T-C.
Other names: c.280A>G, p.Asn94Asp (NM_001282543.2); c.337A>G, p.Asn113Asp (NM_001282549.2); c.158+17088A>G (NM_001282548.2); c.215+4737A>G (NM_001282545.2); short protein forms N113D, N94D.
Identifiers: ClinVar variation 1356504 (VCV001356504.9), dbSNP rs1695555115, ClinGen allele CA350460837.